The following is an entry in ClinVar:

ClinVar aggregate classification (germline): Uncertain significance. Review status: criteria provided, multiple submitters, no conflicts (2 of 4 stars). 3 submissions from 3 submitters: Uncertain significance (3). Last evaluated 2025-07-14.

Conditions:
Hereditary cancer-predisposing syndrome. Also called: Neoplastic Syndromes, Hereditary; Hereditary Cancer Syndrome; Tumor predisposition; Hereditary neoplastic syndrome. Identifiers: Orphanet 140162, MedGen C0027672, MeSH D009386, MONDO:0015356.
Tuberous sclerosis 2 (TSC2). Identifiers: Orphanet 805, MedGen C1860707, MONDO:0013199, OMIM 613254.

Submissions (3):

Ambry Genetics
Classification: Uncertain significance for Hereditary cancer-predisposing syndrome. Last evaluated: 2025-07-14. Review status: criteria provided, single submitter. Criteria: Ambry Variant Classification Scheme 2023. Collection method: clinical testing. Allele origin: germline.

Labcorp Genetics (formerly Invitae), Labcorp
Classification: Uncertain significance for Tuberous sclerosis 2. Last evaluated: 2024-05-29. Review status: criteria provided, single submitter. Criteria: Invitae Variant Classification Sherloc (09022015). Collection method: clinical testing. Allele origin: germline.
Comment: This sequence change replaces glycine, which is neutral and non-polar, with glutamic acid, which is acidic and polar, at codon 150 of the TSC2 protein (p.Gly150Glu). This variant is not present in population databases (gnomAD no frequency). This variant has not been reported in the literature in individuals affected with TSC2-related conditions. ClinVar contains an entry for this variant (Variation ID: 2060508). Advanced modeling of protein sequence and biophysical properties (such as structural, functional, and spatial information, amino acid conservation, physicochemical variation, residue mobility, and thermodynamic stability) has been performed at Invitae for this missense variant, however the output from this modeling did not meet the statistical confidence thresholds required to predict the impact of this variant on TSC2 protein function. In summary, the available evidence is currently insufficient to determine the role of this variant in disease. Therefore, it has been classified as a Variant of Uncertain Significance.

Revvity Omics, Revvity
Classification: Uncertain significance for Tuberous sclerosis 2. Last evaluated: 2020-08-13. Review status: criteria provided, single submitter. Criteria: ACMG Guidelines, 2015. Collection method: clinical testing. Allele origin: germline.

NM_000548.5(TSC2):c.449G>A (p.Gly150Glu)

Gene: TSC2 (TSC complex subunit 2; plus strand). Cytogenetic location: 16p13.3.
Variant type: single nucleotide variant.
Coding change: c.449G>A on transcript NM_000548.5 (MANE Select); coding-DNA position 449, G replaced by A.
Protein change: p.Gly150Glu; replaces glycine 150 with glutamic acid.
Molecular consequence: missense variant. On other transcripts: intron variant (1).
Genome position (GRCh38, 1-based): chr16:2,054,408, G>A. VCF-style: chr16-2054408-G-A. GRCh37 (hg19) VCF-style: chr16-2104409-G-A.
Other names: c.449G>A, p.Gly150Glu (NM_001077183.3, NM_001114382.3, NM_001363528.2 and 8 more transcripts); c.338G>A, p.Gly113Glu (NM_001318827.2, NM_001406670.1, NM_001406678.1); c.302G>A, p.Gly101Glu (NM_001318829.2, NM_001406675.1, NM_001406676.1 and 1 more transcripts); c.482G>A, p.Gly161Glu (NM_001318832.2); c.539G>A, p.Gly180Glu (NM_001406667.1, NM_001406668.1); c.392G>A, p.Gly131Glu (NM_001406677.1); c.-368G>A (NM_001406680.1, NM_001406683.1, NM_001406687.1); c.4G>A, p.Gly2Arg (NM_001406681.1); and 6 more; short protein forms G113E, G131E, G150E, G161E, G180E, G2R, G101E.
Identifiers: ClinVar variation 2060508 (VCV002060508.8), dbSNP rs2151043854, ClinGen allele CA394308412.